The following is an entry in ClinVar:

ClinVar aggregate classification (germline): Uncertain significance (1 of 4 stars; one submission).

Submission:

Women's Health and Genetics/Laboratory Corporation of America, LabCorp
Classification: Uncertain significance. Last evaluated: 2023-11-02. Review status: criteria provided, single submitter. Criteria: LabCorp Variant Classification Summary - May 2015. Collection method: clinical testing. Allele origin: germline.
Comment: Variant summary: The variant involves the duplication of exon 15 in the CFTR gene. A presumed nomenclature of c.(2490+1_2491-1)_(2619+1_2620-1)dup has been designated for the purposes of this classification. It is assumed to be a tandem duplication in direct orientation (Richardson_GIM_2018, Newman_AJHG_2015). This Copy Number Variant (CNV) is predicted to result in an in-frame duplication within this gene. The variant was absent in 21694 control chromosomes. The available data on variant occurrences in the general population are insufficient to allow any conclusion about variant significance. To our knowledge, no occurrence of c.(2490+1_2491-1)_(2619+1_2620-1)dup in individuals affected with Cystic Fibrosis and no experimental evidence demonstrating its impact on protein function have been reported. No submitters have cited clinical-significance assessments for this variant to ClinVar after 2014. Based on the evidence outlined above, the variant was classified as uncertain significance.

NC_000007.13:g.(117232712_117234983)_(117235113_117242879)dup

Gene: CFTR (CF transmembrane conductance regulator; plus strand). Cytogenetic location: 7q31.2.
Variant type: Duplication.
Identifiers: ClinVar variation 2682494 (VCV002682494.1).